The following is an entry in ClinVar:

NM_018013.4(SOBP):c.2232GCC[6] (p.Pro751del)

Gene: SOBP (sine oculis binding protein homolog; plus strand). Cytogenetic location: 6q21.
Variant type: Microsatellite.
Coding change: c.2232GCC[6] on transcript NM_018013.4 (MANE Select); six copies in a row of the 3-base unit GCC starting at c.2232; the reference has seven copies in a row; one copy, 3 bases deleted.
Protein change: p.Pro751del; deletes proline 751.
Molecular consequence: inframe deletion.
Genome position (GRCh38, 1-based): chr6:107,635,094-107,635,096, GCC deleted; deleting any 3 consecutive bases within chr6:107,635,076-107,635,096 gives the same sequence; the position shown is the placement nearest the transcript's 3' end. VCF-style (leftmost placement, unchanged base first): chr6-107635075-AGCC-A. GRCh37 (hg19) VCF-style: chr6-107956279-AGCC-A.
Other names: short protein forms P751del.
Identifiers: ClinVar variation 212281 (VCV000212281.36), dbSNP rs541688197, ClinGen allele CA207698.

ClinVar aggregate classification (germline): Benign/Likely benign. Review status: criteria provided, multiple submitters, no conflicts (2 of 4 stars). 4 submissions from 4 submitters: Benign (1); Likely benign (3). Last evaluated 2025-04-01.

Submissions (4):

CeGaT Center for Human Genetics Tuebingen
Classification: Likely benign. Last evaluated: 2025-04-01. Review status: criteria provided, single submitter. Criteria: CeGaT Center For Human Genetics Tuebingen Variant Classification Criteria Version 2. Collection method: clinical testing. Allele origin: germline. Affected: yes. Observed: 10 variant alleles.
Comment: SOBP: BS2

Blueprint Genetics
Classification: Likely benign. Last evaluated: 2024-11-19. Review status: criteria provided, single submitter. Criteria: ACMG Guidelines, 2015. Collection method: clinical testing. Allele origin: germline.

Center for Pediatric Genomic Medicine, Children's Mercy Hospital and Clinics
Classification: Likely benign. Last evaluated: 2017-04-28. Review status: criteria provided, single submitter. Criteria: ACMG Guidelines, 2015. Collection method: clinical testing. Allele origin: germline.

Genetic Services Laboratory, University of Chicago
Classification: Benign. Last evaluated: 2016-01-05. Review status: criteria provided, single submitter. Criteria: ACMG Guidelines, 2015. Collection method: clinical testing. Allele origin: germline. Affected: no.